The following is an entry in ClinVar:

NM_024675.4(PALB2):c.3386C>A (p.Ala1129Glu)

Gene: PALB2 (partner and localizer of BRCA2; minus strand). Cytogenetic location: 16p12.2.
Variant type: single nucleotide variant.
Coding change: c.3386C>A on transcript NM_024675.4 (MANE Select); coding-DNA position 3386, C replaced by A.
Protein change: p.Ala1129Glu; replaces alanine 1129 with glutamic acid.
Molecular consequence: missense variant.
Genome position (GRCh38, 1-based): chr16:23,603,634, G>T on the plus strand (C>A on the coding strand, the complement: PALB2 is on the minus strand). VCF-style: chr16-23603634-G-T. GRCh37 (hg19) VCF-style: chr16-23614955-G-T.
Other names: short protein forms A1129E.
Identifiers: ClinVar variation 1483004 (VCV001483004.9), dbSNP rs1567205179, ClinGen allele CA395138277.

ClinVar aggregate classification (germline): Uncertain significance (1 of 4 stars; one submission).

Conditions:
Familial cancer of breast. Also called: hereditary breast carcinoma; Hereditary breast cancer; BREAST CANCER, FAMILIAL. Identifiers: Orphanet 227535, MedGen C0346153, MONDO:0016419, OMIM 114480. Disease mechanism: loss of function.

Submission:

Labcorp Genetics (formerly Invitae), Labcorp
Classification: Uncertain significance for Familial cancer of breast. Last evaluated: 2021-06-12. Review status: criteria provided, single submitter. Criteria: Invitae Variant Classification Sherloc (09022015). Collection method: clinical testing. Allele origin: germline.
Comment: This sequence change replaces alanine with glutamic acid at codon 1129 of the PALB2 protein (p.Ala1129Glu). The alanine residue is highly conserved and there is a moderate physicochemical difference between alanine and glutamic acid. In summary, the available evidence is currently insufficient to determine the role of this variant in disease. Therefore, it has been classified as a Variant of Uncertain Significance. Algorithms developed to predict the effect of missense changes on protein structure and function are either unavailable or do not agree on the potential impact of this missense change (SIFT: "Deleterious"; PolyPhen-2: "Probably Damaging"; Align-GVGD: "Class C15"). This variant has not been reported in the literature in individuals with PALB2-related conditions. This variant is not present in population databases (ExAC no frequency).